The following is an entry in ClinVar:

NM_032119.4(ADGRV1):c.7595C>T (p.Pro2532Leu)

Gene: ADGRV1 (adhesion G protein-coupled receptor V1; plus strand). Cytogenetic location: 5q14.3.
Variant type: single nucleotide variant.
Coding change: c.7595C>T on transcript NM_032119.4 (MANE Select); coding-DNA position 7595, C replaced by T.
Protein change: p.Pro2532Leu; replaces proline 2532 with leucine.
Molecular consequence: missense variant. On other transcripts: non-coding transcript variant (1).
Genome position (GRCh38, 1-based): chr5:90,694,351, C>T. VCF-style: chr5-90694351-C-T. GRCh37 (hg19) VCF-style: chr5-89990168-C-T.
Other names: short protein forms P2532L.
Identifiers: ClinVar variation 2013019 (VCV002013019.4), dbSNP rs2530953137, ClinGen allele CA360379671.

ClinVar aggregate classification (germline): Uncertain significance (1 of 4 stars; one submission).

Submission:

Labcorp Genetics (formerly Invitae), Labcorp
Classification: Uncertain significance. Last evaluated: 2022-07-01. Review status: criteria provided, single submitter. Criteria: Invitae Variant Classification Sherloc (09022015). Collection method: clinical testing. Allele origin: germline.
Comment: In summary, the available evidence is currently insufficient to determine the role of this variant in disease. Therefore, it has been classified as a Variant of Uncertain Significance. Algorithms developed to predict the effect of missense changes on protein structure and function are either unavailable or do not agree on the potential impact of this missense change (SIFT: "Deleterious"; PolyPhen-2: "Probably Damaging"; Align-GVGD: "Class C0"). This variant has not been reported in the literature in individuals affected with ADGRV1-related conditions. This variant is not present in population databases (gnomAD no frequency). This sequence change replaces proline, which is neutral and non-polar, with leucine, which is neutral and non-polar, at codon 2532 of the ADGRV1 protein (p.Pro2532Leu).